The following is an entry in ClinVar:

ClinVar aggregate classification (germline): Uncertain significance (1 of 4 stars; one submission).

Submission:

Labcorp Genetics (formerly Invitae), Labcorp
Classification: Uncertain significance. Last evaluated: 2025-04-07. Review status: criteria provided, single submitter. Criteria: Invitae Variant Classification Sherloc (09022015). Collection method: clinical testing. Allele origin: germline.
Comment: This sequence change falls in intron 1 of the RPS29 gene. It does not directly change the encoded amino acid sequence of the RPS29 protein. The frequency data for this variant in the population databases is considered unreliable, as metrics indicate poor data quality at this position in the gnomAD database. This variant has not been reported in the literature in individuals affected with RPS29-related conditions. ClinVar contains an entry for this variant (Variation ID: 2989610). Experimental studies and prediction algorithms are not available or were not evaluated, and the effect of this variant on mRNA splicing is currently unknown. In summary, the available evidence is currently insufficient to determine the role of this variant in disease. Therefore, it has been classified as a Variant of Uncertain Significance.

NM_001032.5(RPS29):c.62+18_62+39del

Gene: RPS29 (ribosomal protein S29; minus strand). Cytogenetic location: 14q21.3.
Variant type: Deletion.
Coding change: c.62+18_62+39del on transcript NM_001032.5 (MANE Select); bases 18 to 39 of the intron after coding-DNA position 62, 22 bases deleted (ATTTTGGGGAAGCGTTGCCGTG).
Molecular consequence: intron variant.
Genome position (GRCh38, 1-based): chr14:49,586,246-49,586,267, CACGGCAACGCTTCCCCAAAAT deleted on the plus strand (ATTTTGGGGAAGCGTTGCCGTG on the coding strand, the reverse complement: RPS29 is on the minus strand); deleting any 22 consecutive bases within chr14:49,586,246-49,586,270 gives the same sequence; the c. name uses the placement nearest the transcript's 3' end. VCF-style (leftmost placement, unchanged base first): chr14-49586245-CCACGGCAACGCTTCCCCAAAAT-C. GRCh37 (hg19) VCF-style: chr14-50052963-CCACGGCAACGCTTCCCCAAAAT-C.
Other names: c.62+18_62+39del (NM_001030001.4); c.54-218_54-197del (NM_001351375.2).
Identifiers: ClinVar variation 2989610 (VCV002989610.3), dbSNP rs769364049, ClinGen allele CA7171935.